The following is an entry in ClinVar:

NM_020247.5(COQ8A):c.768C>T (p.Ser256=)

Gene: COQ8A (coenzyme Q8A; plus strand). Cytogenetic location: 1q42.13.
Variant type: single nucleotide variant.
Coding change: c.768C>T on transcript NM_020247.5 (MANE Select); coding-DNA position 768, C replaced by T.
Protein change: p.Ser256=; no amino-acid change (serine 256 retained).
Molecular consequence: synonymous variant.
Genome position (GRCh38, 1-based): chr1:226,982,064, C>T. VCF-style: chr1-226982064-C-T. GRCh37 (hg19) VCF-style: chr1-227169765-C-T.
Other names: p.Ser256=.
Identifiers: ClinVar variation 2153334 (VCV002153334.5), dbSNP rs779433640, ClinGen allele CA1425145.

ClinVar aggregate classification (germline): Likely benign. Review status: criteria provided, multiple submitters, no conflicts (2 of 4 stars). 2 submissions from 2 submitters: Likely benign (2). Last evaluated 2025-09-09.

Allele frequency attached by ClinVar (database versions not stated): gnomAD 0.00006.
gnomAD v4.1: 66 of 1,612,768 alleles (0.0041%); highest among the groups gnomAD compares: Admixed American, 0.012%; no homozygotes.

Submissions (2):

Mayo Clinic Laboratories, Mayo Clinic
Classification: Likely benign. Last evaluated: 2025-09-09. Review status: criteria provided, single submitter. Criteria: ACMG Guidelines, 2015. Collection method: clinical testing. Allele origin: germline. Observed: 1 variant allele.
Comment: BP4, BP7

Labcorp Genetics (formerly Invitae), Labcorp
Classification: Likely benign. Last evaluated: 2025-05-27. Review status: criteria provided, single submitter. Criteria: Invitae Variant Classification Sherloc (09022015). Collection method: clinical testing. Allele origin: germline.